The following is an entry in ClinVar:

ClinVar aggregate classification (germline): Conflicting classifications of pathogenicity. Review status: criteria provided, conflicting classifications (1 of 4 stars). 3 submissions from 3 submitters: Uncertain significance (2); Likely benign (1). Last evaluated 2025-08-03.

Conditions:
Inborn genetic diseases. Identifiers: MedGen C0950123, MeSH D030342.
Pyogenic arthritis-pyoderma gangrenosum-acne syndrome (PAPA). Also called: FAMILIAL RECURRENT ARTHRITIS; PAPA SYNDROME. Identifiers: Orphanet 69126, MedGen C1858361, MONDO:0011462, OMIM 604416.

Allele frequency attached by ClinVar (database versions not stated): gnomAD 0.00001; gnomAD exomes 0.00002; ExAC 0.00003.
gnomAD v4.1: 13 of 1,610,458 alleles (0.00081%); highest among the groups gnomAD compares: South Asian, 0.0066%; no homozygotes.

Submissions (3):

Labcorp Genetics (formerly Invitae), Labcorp
Classification: Uncertain significance for Pyogenic arthritis-pyoderma gangrenosum-acne syndrome. Last evaluated: 2025-08-03. Review status: criteria provided, single submitter. Criteria: Invitae Variant Classification Sherloc (09022015). Collection method: clinical testing. Allele origin: germline.
Comment: This sequence change replaces isoleucine, which is neutral and non-polar, with threonine, which is neutral and polar, at codon 353 of the PSTPIP1 protein (p.Ile353Thr). This variant is present in population databases (rs757123504, gnomAD 0.01%). This variant has not been reported in the literature in individuals affected with PSTPIP1-related conditions. ClinVar contains an entry for this variant (Variation ID: 2472880). An algorithm developed to predict the effect of missense changes on protein structure and function outputs the following: PolyPhen-2: "Benign". The threonine amino acid residue is found in multiple mammalian species, which suggests that this missense change does not adversely affect protein function. In summary, the available evidence is currently insufficient to determine the role of this variant in disease. Therefore, it has been classified as a Variant of Uncertain Significance.

CeGaT Center for Human Genetics Tuebingen
Classification: Uncertain significance. Last evaluated: 2024-10-01. Review status: criteria provided, single submitter. Criteria: CeGaT Center For Human Genetics Tuebingen Variant Classification Criteria Version 2. Collection method: clinical testing. Allele origin: germline. Affected: yes. Observed: 2 variant alleles.
Comment: PSTPIP1: PM2, BP4

Ambry Genetics
Classification: Likely benign for Inborn genetic diseases. Last evaluated: 2023-01-20. Review status: criteria provided, single submitter. Criteria: Ambry Variant Classification Scheme 2023. Collection method: clinical testing. Allele origin: germline.

NM_003978.5(PSTPIP1):c.1058T>C (p.Ile353Thr)

Gene: PSTPIP1 (proline-serine-threonine phosphatase interacting protein 1; plus strand). Cytogenetic location: 15q24.3.
Variant type: single nucleotide variant.
Coding change: c.1058T>C on transcript NM_003978.5 (MANE Select); coding-DNA position 1058, T replaced by C.
Protein change: p.Ile353Thr; replaces isoleucine 353 with threonine.
Molecular consequence: missense variant. On other transcripts: non-coding transcript variant (1).
Genome position (GRCh38, 1-based): chr15:77,035,874, T>C. VCF-style: chr15-77035874-T-C. GRCh37 (hg19) VCF-style: chr15-77328215-T-C.
Other names: c.1001T>C, p.Ile334Thr (NM_001321135.2); c.1031T>C, p.Ile344Thr (NM_001321136.2); c.1253T>C, p.Ile418Thr (NM_001321137.1); c.1049T>C, p.Ile350Thr (NM_001411086.1); short protein forms I334T, I353T, I418T, I350T, I344T.
Identifiers: ClinVar variation 2472880 (VCV002472880.17), dbSNP rs757123504, ClinGen allele CA7676150.
Genomic context (GRCh38, chr15:77,035,874, plus strand): 5'-CCCTGACCCCCACCCCCGAGCGGAATGAGGGTGTCTACACAGCCATCGCAGTGCAGGAGA[T>C]ACAGGGAAACCCGGCCTCACCAGCCCAGGAGTACCGGGCGCTCTACGATTATACAGCGCA-3'
Protein context (NP_003969.2, residues 343-363): GVYTAIAVQE[Ile353Thr]QGNPASPAQE